The following is an entry in ClinVar:

NM_005902.4(SMAD3):c.207-10G>A

Gene: SMAD3 (SMAD family member 3; plus strand). Cytogenetic location: 15q22.33.
Variant type: single nucleotide variant.
Coding change: c.207-10G>A on transcript NM_005902.4 (MANE Select); 10 bases into the intron before coding-DNA position 207, G replaced by A.
Molecular consequence: intron variant.
Genome position (GRCh38, 1-based): chr15:67,164,885, G>A. VCF-style: chr15-67164885-G-A. GRCh37 (hg19) VCF-style: chr15-67457223-G-A.
Other names: c.-109-10G>A (NM_001145102.2); c.75-10G>A (NM_001145103.2).
Identifiers: ClinVar variation 284209 (VCV000284209.38), dbSNP rs201912204, ClinGen allele CA061941.

ClinVar aggregate classification (germline): Conflicting classifications of pathogenicity. Review status: criteria provided, conflicting classifications (1 of 4 stars). 13 submissions from 13 submitters: Uncertain significance (2); Benign (4); Likely benign (6). 1 of the submissions does not count toward it. Last evaluated 2026-08-01.

Conditions:
SMAD3-related disorder. Also called: SMAD3-related condition.
Connective tissue disorder. Also called: Connective tissue disease. Identifiers: MedGen C0009782, MONDO:0003900.
Ehlers-Danlos syndrome (EDS). Identifiers: Orphanet 98249, MedGen C0013720, MONDO:0020066.
Familial thoracic aortic aneurysm and aortic dissection (TAAD). Also called: Thoracic aortic aneurysms and dissections. Identifiers: Orphanet 91387, MedGen C4707243, MONDO:0019625.
Aneurysm-osteoarthritis syndrome. Also called: SMAD3-Related Loeys-Dietz Syndrome; LOEYS-DIETZ SYNDROME WITH OSTEOARTHRITIS; ANEURYSMS-OSTEOARTHRITIS SYNDROME; Loeys-Dietz syndrome, type 1C. Identifiers: Orphanet 284984, MedGen C3151087, MONDO:0013426, OMIM 613795.

Allele frequency attached by ClinVar (database versions not stated): ESP Exome Variant Server 0.00023; gnomAD 0.00025; gnomAD exomes 0.00028 and 0.00037; TOPMed 0.00028; ExAC 0.00033.
gnomAD v4.1: 466 of 1,612,588 alleles (0.029%); highest among the groups gnomAD compares: East Asian, 0.19%; 3 homozygotes.

Submissions (14):

CeGaT Center for Human Genetics Tuebingen
Classification: Likely benign. Last evaluated: 2026-08-01. Review status: criteria provided, single submitter. Criteria: CeGaT Center For Human Genetics Tuebingen Variant Classification Criteria Version 2. Collection method: clinical testing. Allele origin: germline. Affected: yes. Observed: 3 variant alleles.
Comment: SMAD3: BS1

Labcorp Genetics (formerly Invitae), Labcorp
Classification: Likely benign for Familial thoracic aortic aneurysm and aortic dissection. Last evaluated: 2026-01-21. Review status: criteria provided, single submitter. Criteria: Invitae Variant Classification Sherloc (09022015). Collection method: clinical testing. Allele origin: germline.

ARUP Laboratories, Molecular Genetics and Genomics, ARUP Laboratories
Classification: Likely benign for Aneurysm-osteoarthritis syndrome. Last evaluated: 2025-07-18. Review status: criteria provided, single submitter. Criteria: ARUP Molecular Germline Variant Investigation Process 2024. Collection method: clinical testing. Allele origin: germline.

Molecular Diagnostic Laboratory for Inherited Cardiovascular Disease, Montreal Heart Institute
Classification: Likely benign. Last evaluated: 2025-04-09. Review status: criteria provided, single submitter. Criteria: ACMG Guidelines, 2015. Collection method: clinical testing. Allele origin: germline. Affected: no.

Blueprint Genetics
Classification: Likely benign. Last evaluated: 2024-05-16. Review status: criteria provided, single submitter. Criteria: ACMG Guidelines, 2015. Collection method: clinical testing. Allele origin: germline.

All of Us Research Program, National Institutes of Health
Classification: Benign for Aneurysm-osteoarthritis syndrome. Last evaluated: 2024-02-05. Review status: criteria provided, single submitter. Criteria: ACMG Guidelines, 2015. Collection method: clinical testing. Allele origin: germline. Inheritance: Autosomal dominant inheritance. Observed: 110 variant alleles, 109 heterozygotes, 1 homozygote.
Comment: This study involves interpretation of variants in research participants for the purpose of population health screening. Participant phenotype was not available at the time of variant classification. Additional details can be found in publication PMID: 35346344, PMCID: PMC8962531

Women's Health and Genetics/Laboratory Corporation of America, LabCorp
Classification: Benign. Last evaluated: 2023-07-16. Review status: criteria provided, single submitter. Criteria: LabCorp Variant Classification Summary - May 2015. Collection method: clinical testing. Allele origin: germline.

Genome Diagnostics Laboratory, The Hospital for Sick Children
Classification: Uncertain significance for Ehlers-Danlos syndrome. Last evaluated: 2020-03-01. Review status: criteria provided, single submitter. Criteria: ACMG Guidelines, 2015. Collection method: clinical testing. Allele origin: germline.

Color Diagnostics, LLC DBA Color Health
Classification: Benign for Familial thoracic aortic aneurysm and aortic dissection. Last evaluated: 2018-11-14. Review status: criteria provided, single submitter. Criteria: ACMG Guidelines, 2015. Collection method: clinical testing. Allele origin: germline.

Center for Human Genetics, Inc
Classification: Likely benign for Connective tissue disorder. Last evaluated: 2016-11-01. Review status: criteria provided, single submitter. Criteria: ACMG Guidelines, 2015. Collection method: clinical testing. Allele origin: germline. Affected: yes.

GeneDx
Classification: Benign. Last evaluated: 2015-12-01. Review status: criteria provided, single submitter. Criteria: GeneDx Variant Classification (06012015). Collection method: clinical testing. Allele origin: germline. Affected: yes.
Comment: This variant is considered likely benign or benign based on one or more of the following criteria: it is a conservative change, it occurs at a poorly conserved position in the protein, it is predicted to be benign by multiple in silico algorithms, and/or has population frequency not consistent with disease.

Eurofins Ntd Llc (ga)
Classification: Uncertain significance. Last evaluated: 2015-11-03. Review status: criteria provided, single submitter. Criteria: EGL Classification Definitions 2015. Collection method: clinical testing. Allele origin: germline. Observed: 1 variant allele, 1 heterozygote.

PreventionGenetics, part of Exact Sciences
Classification: Likely benign for SMAD3-related condition. Last evaluated: 2023-12-20. Review status: no assertion criteria provided. Collection method: clinical testing. Allele origin: germline. Not counted in ClinVar's aggregate classification.
Comment: This variant is classified as likely benign based on ACMG/AMP sequence variant interpretation guidelines (Richards et al. 2015 PMID: 25741868, with internal and published modifications).

Dr. Peter K. Rogan Lab, Western University
No classification provided (evidence only). Condition: Gastric cancer. Review status: no classification provided. Collection method: in vitro. Allele origin: not applicable. Functional consequence: retained intron. Not counted in ClinVar's aggregate classification.